The following is an entry in ClinVar:

NM_004036.5(ADCY3):c.1254C>T (p.Gly418=)

Gene: ADCY3 (adenylate cyclase 3; minus strand). Cytogenetic location: 2p23.3.
Variant type: single nucleotide variant.
Coding change: c.1254C>T on transcript NM_004036.5 (MANE Select); coding-DNA position 1254, C replaced by T.
Protein change: p.Gly418=; no amino-acid change (glycine 418 retained).
Molecular consequence: synonymous variant.
Genome position (GRCh38, 1-based): chr2:24,839,974, G>A on the plus strand (C>T on the coding strand, the complement: ADCY3 is on the minus strand). VCF-style: chr2-24839974-G-A. GRCh37 (hg19) VCF-style: chr2-25062843-G-A.
Other names: c.1254C>T, p.Gly418= (NM_001320613.2, NM_001377128.1, NM_001377129.1 and 2 more transcripts); c.531C>T, p.Gly177= (NM_001377131.1).
Identifiers: ClinVar variation 4977436 (VCV004977436.1).

ClinVar aggregate classification (germline): Likely benign (1 of 4 stars; one submission).

Conditions:
ADCY3-related disorder. Also called: ADCY3-related condition.

gnomAD v4.1: 4 of 1,613,734 alleles (0.00025%); highest among the groups gnomAD compares: Non-Finnish European, 0.00034%; no homozygotes.

Submission:

PreventionGenetics, part of Exact Sciences
Classification: Likely benign for ADCY3-related condition. Last evaluated: 2025-03-29. Review status: criteria provided, single submitter. Criteria: ACMG Guidelines, 2015. Collection method: clinical testing. Allele origin: germline.
Comment: This variant is classified as likely benign based on ACMG/AMP sequence variant interpretation guidelines (Richards et al. 2015 PMID: 25741868, with internal and published modifications).